The following is an entry in ClinVar:

NM_052947.4(ALPK2):c.1144G>A (p.Gly382Ser)

Genes: ALPK2 (alpha kinase 2; minus strand), LOC114803473 (ALPK2 eExon liver enhancer; plus strand). Cytogenetic location: 18q21.31.
Variant type: single nucleotide variant.
Coding change: c.1144G>A on transcript NM_052947.4 (MANE Select); coding-DNA position 1144, G replaced by A.
Protein change: p.Gly382Ser; replaces glycine 382 with serine.
Molecular consequence: missense variant.
Genome position (GRCh38, 1-based): chr18:58,579,632, C>T on the plus strand (G>A on the coding strand, the complement: ALPK2 is on the minus strand). VCF-style: chr18-58579632-C-T. GRCh37 (hg19) VCF-style: chr18-56246864-C-T.
Other names: short protein forms G382S.
Identifiers: ClinVar variation 1732141 (VCV001732141.3), dbSNP rs2051944873, ClinGen allele CA402564513.

ClinVar aggregate classification (germline): Uncertain significance (1 of 4 stars; one submission).

Submission:

Ambry Genetics
Classification: Uncertain significance. Last evaluated: 2024-06-29. Review status: criteria provided, single submitter. Criteria: Ambry Variant Classification Scheme 2023. Collection method: clinical testing. Allele origin: germline.
Comment: The p.G382S variant (also known as c.1144G>A), located in coding exon 3 of the ALPK2 gene, results from a G to A substitution at nucleotide position 1144. The glycine at codon 382 is replaced by serine, an amino acid with similar properties. This amino acid position is conserved. In addition, this alteration is predicted to be tolerated by in silico analysis. Since supporting evidence is limited at this time, the clinical significance of this alteration remains unclear.